The following is an entry in ClinVar:

ClinVar aggregate classification (germline): Uncertain significance. Review status: criteria provided, multiple submitters, no conflicts (2 of 4 stars). 2 submissions from 2 submitters: Uncertain significance (2). Last evaluated 2025-10-27.

Allele frequency attached by ClinVar (database versions not stated): gnomAD 0.00001; ExAC 0.00003.
gnomAD v4.1: 15 of 1,614,054 alleles (0.00093%); highest among the groups gnomAD compares: South Asian, 0.0088%; no homozygotes.

Submissions (2):

Labcorp Genetics (formerly Invitae), Labcorp
Classification: Uncertain significance. Last evaluated: 2025-10-27. Review status: criteria provided, single submitter. Criteria: Invitae Variant Classification Sherloc (09022015). Collection method: clinical testing. Allele origin: germline.
Comment: This sequence change replaces arginine, which is basic and polar, with histidine, which is basic and polar, at codon 26 of the LZTS1 protein (p.Arg26His). This variant is present in population databases (rs757004740, gnomAD 0.009%). This variant has not been reported in the literature in individuals affected with LZTS1-related conditions. ClinVar contains an entry for this variant (Variation ID: 2594398). An algorithm developed to predict the effect of missense changes on protein structure and function (PolyPhen-2) suggests that this variant is likely to be disruptive. In summary, the available evidence is currently insufficient to determine the role of this variant in disease. Therefore, it has been classified as a Variant of Uncertain Significance.

Ambry Genetics
Classification: Uncertain significance. Last evaluated: 2023-07-14. Review status: criteria provided, single submitter. Criteria: Ambry Variant Classification Scheme 2023. Collection method: clinical testing. Allele origin: germline.

NM_021020.5(LZTS1):c.77G>A (p.Arg26His)

Gene: LZTS1 (leucine zipper tumor suppressor 1; minus strand). Cytogenetic location: 8p21.3.
Variant type: single nucleotide variant.
Coding change: c.77G>A on transcript NM_021020.5 (MANE Select); coding-DNA position 77, G replaced by A.
Protein change: p.Arg26His; replaces arginine 26 with histidine.
Molecular consequence: missense variant.
Genome position (GRCh38, 1-based): chr8:20,255,105, C>T on the plus strand (G>A on the coding strand, the complement: LZTS1 is on the minus strand). VCF-style: chr8-20255105-C-T. GRCh37 (hg19) VCF-style: chr8-20112616-C-T.
Other names: c.77G>A, p.Arg26His (NM_001362884.2); short protein forms R26H.
Identifiers: ClinVar variation 2594398 (VCV002594398.4), dbSNP rs757004740, ClinGen allele CA4657605.